The following is an entry in ClinVar:

ClinVar aggregate classification (germline): Uncertain significance (1 of 4 stars; one submission).

Conditions:
Hearing impairment. Also called: Impaired Hearing. Identifiers: MedGen C1384666, MONDO:0005365, HP:0000365.

Submission:

Department of Otolaryngology – Head & Neck Surgery, Cochlear Implant Center
Classification: Uncertain significance for Hearing impairment. Last evaluated: 2021-04-12. Review status: criteria provided, single submitter. Criteria: ClinGen HL ACMG Specifications v1. Collection method: clinical testing. Allele origin: germline. Affected: yes.
Comment: PM2_Moderate, PP3_Supporting

NM_002700.3(POU4F3):c.966C>G (p.Phe322Leu)

Genes: POU4F3 (POU class 4 homeobox 3; plus strand), RBM27-POU4F3 (RBM27-POU4F3 readthrough; plus strand). Cytogenetic location: 5q32.
Variant type: single nucleotide variant.
Coding change: c.966C>G on transcript NM_002700.3 (MANE Select); coding-DNA position 966, C replaced by G.
Protein change: p.Phe322Leu; replaces phenylalanine 322 with leucine.
Molecular consequence: missense variant.
Genome position (GRCh38, 1-based): chr5:146,340,393, C>G. VCF-style: chr5-146340393-C-G. GRCh37 (hg19) VCF-style: chr5-145719956-C-G.
Other names: short protein forms F322L.
Identifiers: ClinVar variation 1064957 (VCV001064957.3), dbSNP rs1760437546, ClinGen allele CA361623409.
Genomic context (GRCh38, chr5:146,340,393, plus strand): 5'-GAAGATCGCGGCCATCGCTGAGAAACTGGACCTTAAAAAGAACGTGGTGAGAGTCTGGTT[C>G]TGCAACCAGAGACAGAAACAGAAACGAATGAAGTATTCGGCTGTCCACTGATTGCGGCAG-3'
Protein context (NP_002691.1, residues 312-332): DLKKNVVRVW[Phe322Leu]CNQRQKQKRM